The following is an entry in ClinVar:

ClinVar aggregate classification (germline): Likely benign. Review status: criteria provided, single submitter (1 of 4 stars). 2 submissions from 2 submitters: Likely benign (1). 1 of the submissions does not count toward it. Last evaluated 2024-11-21.

Conditions:
MYRF-related disorder. Also called: MYRF-related disorders; MYRF-related condition.

Submissions (2):

Blueprint Genetics
Classification: Likely benign. Last evaluated: 2024-11-21. Review status: criteria provided, single submitter. Criteria: ACMG Guidelines, 2015. Collection method: clinical testing. Allele origin: germline.

PreventionGenetics, part of Exact Sciences
Classification: Likely benign for MYRF-related condition. Last evaluated: 2020-01-03. Review status: no assertion criteria provided. Collection method: clinical testing. Allele origin: germline. Not counted in ClinVar's aggregate classification.
Comment: This variant is classified as likely benign based on ACMG/AMP sequence variant interpretation guidelines (Richards et al. 2015 PMID: 25741868, with internal and published modifications).

NM_001127392.3(MYRF):c.1116-3dup

Gene: MYRF (myelin regulatory factor; plus strand). Cytogenetic location: 11q12.2.
Variant type: Duplication.
Coding change: c.1116-3dup on transcript NM_001127392.3 (MANE Select); 3 bases into the intron before coding-DNA position 1116, one base duplicated (C; older notation c.1116-3dupC).
Molecular consequence: intron variant.
Genome position (GRCh38, 1-based): chr11:61,773,964, C duplicated; the last of 7 consecutive C bases (chr11:61,773,958-61,773,964); duplicating any one gives the same sequence. VCF-style (leftmost placement, unchanged base first): chr11-61773957-G-GC. GRCh37 (hg19) VCF-style: chr11-61541429-G-GC.
Other names: c.1089-3dup (NM_013279.4).
Identifiers: ClinVar variation 3035722 (VCV003035722.3), dbSNP rs375062395, ClinGen allele CA6037786.
Genomic context (GRCh38, chr11:61,773,957, plus strand): 5'-AGGTAGGAGGAACCGATGTTCCAGGCCCGGCTCTGGGGCCTCAGGGGAGTGCCCTCACCC[G>GC]CCCCCCCAGGCCCATGCTCACCTACCGCGTGGATGCGGACAAGGGCTTCAACTTTTCGGT-3'